The following is an entry in ClinVar:

ClinVar aggregate classification (germline): Uncertain significance (1 of 4 stars; one submission).

Conditions:
Neurofibromatosis, type 1 (NF1). Also called: VON RECKLINGHAUSEN DISEASE; Neurofibromatosis, type I; NEUROFIBROMATOSIS, TYPE I, SOMATIC; Peripheral type neurofibromatosis. Identifiers: Orphanet 636, MedGen C0027831, MONDO:0018975, OMIM 162200. Disease mechanism: loss of function.

Submission:

Labcorp Genetics (formerly Invitae), Labcorp
Classification: Uncertain significance for Neurofibromatosis, type 1. Last evaluated: 2022-08-01. Review status: criteria provided, single submitter. Criteria: Invitae Variant Classification Sherloc (09022015). Collection method: clinical testing. Allele origin: germline.
Comment: In summary, the available evidence is currently insufficient to determine the role of this variant in disease. Therefore, it has been classified as a Variant of Uncertain Significance. Experimental studies and prediction algorithms are not available or were not evaluated, and the functional significance of this variant is currently unknown. ClinVar contains an entry for this variant (Variation ID: 1391607). This variant has not been reported in the literature in individuals affected with NF1-related conditions. This variant is not present in population databases (gnomAD no frequency). This variant, c.3678_3683del, results in the deletion of 2 amino acid(s) of the NF1 protein (p.Leu1227_Ala1228del), but otherwise preserves the integrity of the reading frame.

NM_001042492.3(NF1):c.3678_3683del (p.Leu1227_Ala1228del)

Gene: NF1 (neurofibromin 1; plus strand). Cytogenetic location: 17q11.2.
Variant type: Deletion.
Coding change: c.3678_3683del on transcript NM_001042492.3 (MANE Select); coding-DNA positions 3678 to 3683, 6 bases deleted (TCTGGC; older notation c.3678_3683delTCTGGC).
Protein change: p.Leu1227_Ala1228del.
Molecular consequence: inframe deletion. On other transcripts: inframe indel (1).
Genome position (GRCh38, 1-based): chr17:31,233,183-31,233,188, TCTGGC deleted; deleting any 6 consecutive bases within chr17:31,233,179-31,233,188 gives the same sequence; the c. name uses the placement nearest the transcript's 3' end. VCF-style (leftmost placement, unchanged base first): chr17-31233178-ATGGCTC-A. GRCh37 (hg19) VCF-style: chr17-29560196-ATGGCTC-A.
Other names: c.3678_3683delTCTGGC, p.Leu1227_Ala1228del (NM_000267.4).
Identifiers: ClinVar variation 1391607 (VCV001391607.6), dbSNP rs2151435745, ClinGen allele CA2573153361.